The following is an entry in ClinVar:

NC_000015.9:g.(?_44881450)_(44925835_?)dup

Genes: SPG11 (SPG11 vesicle trafficking associated, spatacsin; minus strand), LOC130056972 (ATAC-STARR-seq lymphoblastoid active region 9340; plus strand), LOC130056973 (ATAC-STARR-seq lymphoblastoid active region 9341; plus strand). Cytogenetic location: 15q21.1.
Variant type: Duplication.
Identifiers: ClinVar variation 417382 (VCV000417382.1).

ClinVar aggregate classification (germline): Pathogenic (1 of 4 stars; one submission).

Conditions:
Hereditary spastic paraplegia 11. Also called: Spastic paraplegia, mental retardation and thin corpus callosum; Spastic Paraplegia 11; Nakamura Osame syndrome; Autosomal recessive hereditary spastic paraplegia, mental impairment, and thin corpus callosum; SPASTIC PARAPLEGIA, AUTOSOMAL RECESSIVE, COMPLICATED, WITH THIN CORPUS CALLOSUM; SPASTIC PARAPLEGIA, AUTOSOMAL RECESSIVE, WITH MENTAL IMPAIRMENT AND THIN CORPUS CALLOSUM. Identifiers: Orphanet 2822, MedGen C1858479, MONDO:0011445, OMIM 604360.

Submission:

Labcorp Genetics (formerly Invitae), Labcorp
Classification: Pathogenic for Hereditary spastic paraplegia 11. Last evaluated: 2016-06-26. Review status: criteria provided, single submitter. Criteria: Invitae Variant Classification Sherloc (09022015). Collection method: clinical testing. Allele origin: germline.
Comment: This variant is a gross duplication of the genomic region encompassing exons 8-28 of the SPG11 gene. While the exact position of the duplicated exons cannot be determined from this data, the duplicated copy of this region is likely in tandem and may result in an absent or disrupted protein product. While this particular variant has not been reported in the literature, loss-of-function variants in SPG11 are known to be pathogenic (PMID: 18079167, 22237444). For these reasons, this variant has been classified as Pathogenic.